The following is an entry in ClinVar:

ClinVar aggregate classification (germline): Likely pathogenic (1 of 4 stars; one submission).

Conditions:
Spongy degeneration of central nervous system. Also called: ACY2 DEFICIENCY; AMINOACYLASE 2 DEFICIENCY; ASP DEFICIENCY; ASPA DEFICIENCY; ASPARTOACYLASE DEFICIENCY; CANAVAN-VAN BOGAERT-BERTRAND DISEASE. Identifiers: Orphanet 141, MedGen C0206307, MONDO:0010079, OMIM 271900.

Submission:

Natera, Inc.
Classification: Likely pathogenic for Canavan Disease. Last evaluated: 2025-06-30. Review status: criteria provided, single submitter. Criteria: Natera Variant Classification Schema (03/2026). Collection method: clinical testing. Allele origin: germline.
Comment: The c.781_782del variant in ASPA is a frameshift variant predicted to shift the reading frame beginning at codon 261 and leads to a stop codon 5 codons downstream. This variant is expected to result in nonsense mediated decay, truncation, or a dysfunctional protein product. This variant is rare in the general population with a frequency below the threshold expected for the associated phenotype(s). Given the available evidence, this variant is classified as Likely Pathogenic.

NM_000049.4(ASPA):c.781_782del (p.Met261fs)

Genes: ASPA (aspartoacylase; plus strand), SPATA22 (spermatogenesis associated 22; minus strand). Cytogenetic location: 17p13.2.
Variant type: Deletion.
Coding change: c.781_782del on transcript NM_000049.4 (MANE Select); coding-DNA positions 781 to 782, 2 bases deleted (AT; older notation c.781_782delAT).
Protein change: p.Met261fs; shifts the reading frame from methionine 261.
Molecular consequence: frameshift variant. On other transcripts: intron variant (2).
Genome position (GRCh38, 1-based): chr17:3,498,927-3,498,928, AT deleted. VCF-style (leftmost placement, unchanged base first): chr17-3498926-CAT-C. GRCh37 (hg19) VCF-style: chr17-3402220-CAT-C.
Other names: c.781_782del, p.Met261fs (NM_001128085.1); c.-74+14484_-74+14485del (NM_001321336.2, NM_001321337.2); short protein forms M261fs.
Identifiers: ClinVar variation 4818504 (VCV004818504.1).